The following is an entry in ClinVar:

NM_145239.3(PRRT2):c.34A>G (p.Lys12Glu)

Genes: MVP-DT (MVP divergent transcript; minus strand), PRRT2 (proline rich transmembrane protein 2; plus strand). Cytogenetic location: 16p11.2.
Variant type: single nucleotide variant.
Coding change: c.34A>G on transcript NM_145239.3 (MANE Select); coding-DNA position 34, A replaced by G.
Protein change: p.Lys12Glu; replaces lysine 12 with glutamic acid.
Molecular consequence: missense variant.
Genome position (GRCh38, 1-based): chr16:29,813,088, A>G. VCF-style: chr16-29813088-A-G. GRCh37 (hg19) VCF-style: chr16-29824409-A-G.
Other names: c.34A>G, p.Lys12Glu (NM_001256442.2, NM_001256443.2); short protein forms K12E.
Identifiers: ClinVar variation 1929027 (VCV001929027.5), dbSNP rs2543330786, ClinGen allele CA395477032.

ClinVar aggregate classification (germline): Uncertain significance (1 of 4 stars; one submission).

Conditions:
Episodic kinesigenic dyskinesia (EKD). Also called: Paroxysmal kinesigenic dyskinesia. Identifiers: Orphanet 98809, MedGen C1868682, MONDO:0044202.

Submission:

Labcorp Genetics (formerly Invitae), Labcorp
Classification: Uncertain significance for Episodic kinesigenic dyskinesia. Last evaluated: 2022-07-25. Review status: criteria provided, single submitter. Criteria: Invitae Variant Classification Sherloc (09022015). Collection method: clinical testing. Allele origin: germline.
Comment: In summary, the available evidence is currently insufficient to determine the role of this variant in disease. Therefore, it has been classified as a Variant of Uncertain Significance. Algorithms developed to predict the effect of missense changes on protein structure and function are either unavailable or do not agree on the potential impact of this missense change (SIFT: "Deleterious"; PolyPhen-2: "Possibly Damaging"; Align-GVGD: "Class C0"). This variant has not been reported in the literature in individuals affected with PRRT2-related conditions. This variant is not present in population databases (gnomAD no frequency). This sequence change replaces lysine, which is basic and polar, with glutamic acid, which is acidic and polar, at codon 12 of the PRRT2 protein (p.Lys12Glu).